The following is an entry in ClinVar:

ClinVar aggregate classification (germline): Uncertain significance. Review status: criteria provided, multiple submitters, no conflicts (2 of 4 stars). 2 submissions from 2 submitters: Uncertain significance (2). Last evaluated 2024-07-16.

Conditions:
Inborn genetic diseases. Identifiers: MedGen C0950123, MeSH D030342.

Allele frequency attached by ClinVar (database versions not stated): TOPMed below 0.00001.
gnomAD v4.1: 1 of 1,612,496 alleles (0.000062%); no homozygotes.

Submissions (2):

Ambry Genetics
Classification: Uncertain significance for Inborn genetic diseases. Last evaluated: 2024-07-16. Review status: criteria provided, single submitter. Criteria: Ambry Variant Classification Scheme 2023. Collection method: clinical testing. Allele origin: germline.

Labcorp Genetics (formerly Invitae), Labcorp
Classification: Uncertain significance. Last evaluated: 2021-08-31. Review status: criteria provided, single submitter. Criteria: Invitae Variant Classification Sherloc (09022015). Collection method: clinical testing. Allele origin: germline.
Comment: This sequence change replaces leucine with arginine at codon 165 of the ABCA12 protein (p.Leu165Arg). The leucine residue is moderately conserved and there is a moderate physicochemical difference between leucine and arginine. This variant is not present in population databases (ExAC no frequency). This variant has not been reported in the literature in individuals affected with ABCA12-related conditions. Algorithms developed to predict the effect of missense changes on protein structure and function are either unavailable or do not agree on the potential impact of this missense change (SIFT: "Deleterious"; PolyPhen-2: "Possibly Damaging"; Align-GVGD: "Class C0"). In summary, the available evidence is currently insufficient to determine the role of this variant in disease. Therefore, it has been classified as a Variant of Uncertain Significance.

NM_173076.3(ABCA12):c.494T>G (p.Leu165Arg)

Gene: ABCA12 (ATP binding cassette subfamily A member 12; minus strand). Cytogenetic location: 2q35.
Variant type: single nucleotide variant.
Coding change: c.494T>G on transcript NM_173076.3 (MANE Select); coding-DNA position 494, T replaced by G.
Protein change: p.Leu165Arg; replaces leucine 165 with arginine.
Molecular consequence: missense variant. On other transcripts: non-coding transcript variant (1).
Genome position (GRCh38, 1-based): chr2:215,052,500, A>C on the plus strand (T>G on the coding strand, the complement: ABCA12 is on the minus strand). VCF-style: chr2-215052500-A-C. GRCh37 (hg19) VCF-style: chr2-215917224-A-C.
Other names: c.494T>G (NM_173076.2); short protein forms L165R.
Identifiers: ClinVar variation 1383316 (VCV001383316.4), dbSNP rs1701338863, ClinGen allele CA350455741.